The following is an entry in ClinVar:

ClinVar aggregate classification (germline): Uncertain significance. Review status: criteria provided, multiple submitters, no conflicts (2 of 4 stars). 3 submissions from 3 submitters: Uncertain significance (3). Last evaluated 2025-11-04.

Conditions:
Familial thoracic aortic aneurysm and aortic dissection (TAAD). Also called: Thoracic aortic aneurysms and dissections. Identifiers: Orphanet 91387, MedGen C4707243, MONDO:0019625.
Aortic aneurysm, familial thoracic 4 (AAT4). Also called: AORTIC ANEURYSM/AORTIC DISSECTION AND PATENT DUCTUS ARTERIOSUS. Identifiers: MedGen C1851504, MONDO:0007568, OMIM 132900.

Allele frequency attached by ClinVar (database versions not stated): gnomAD 0.00001; gnomAD exomes below 0.00001; TOPMed below 0.00001; ExAC 0.00001.
gnomAD v4.1: 7 of 1,614,006 alleles (0.00043%); highest among the groups gnomAD compares: South Asian, 0.0044%; no homozygotes.

Submissions (3):

Ambry Genetics
Classification: Uncertain significance for Familial thoracic aortic aneurysm and aortic dissection. Last evaluated: 2025-11-04. Review status: criteria provided, single submitter. Criteria: Ambry Variant Classification Scheme 2023. Collection method: clinical testing. Allele origin: germline.
Comment: The p.P598L variant (also known as c.1793C>T), located in coding exon 14 of the MYH11 gene, results from a C to T substitution at nucleotide position 1793. The proline at codon 598 is replaced by leucine, an amino acid with similar properties. This amino acid position is conserved. In addition, this alteration is predicted to be deleterious by in silico analysis. Since supporting evidence is limited at this time, the clinical significance of this alteration remains unclear.

Labcorp Genetics (formerly Invitae), Labcorp
Classification: Uncertain significance for Aortic aneurysm, familial thoracic 4. Last evaluated: 2025-07-31. Review status: criteria provided, single submitter. Criteria: Invitae Variant Classification Sherloc (09022015). Collection method: clinical testing. Allele origin: germline.
Comment: This sequence change replaces proline, which is neutral and non-polar, with leucine, which is neutral and non-polar, at codon 605 of the MYH11 protein (p.Pro605Leu). This variant is present in population databases (rs770613752, gnomAD 0.01%). This variant has not been reported in the literature in individuals affected with MYH11-related conditions. ClinVar contains an entry for this variant (Variation ID: 2563067). Invitae Evidence Modeling of protein sequence and biophysical properties (such as structural, functional, and spatial information, amino acid conservation, physicochemical variation, residue mobility, and thermodynamic stability) indicates that this missense variant is not expected to disrupt MYH11 protein function with a negative predictive value of 80%. In summary, the available evidence is currently insufficient to determine the role of this variant in disease. Therefore, it has been classified as a Variant of Uncertain Significance.

GeneDx
Classification: Uncertain significance. Last evaluated: 2025-06-03. Review status: criteria provided, single submitter. Criteria: GeneDx Variant Classification Process June 2021. Collection method: clinical testing. Allele origin: germline. Affected: yes.
Comment: Not observed at significant frequency in large population cohorts (gnomAD); In silico analysis supports that this missense variant has a deleterious effect on protein structure/function; Has not been previously published as pathogenic or benign to our knowledge

NM_002474.3(MYH11):c.1793C>T (p.Pro598Leu)

Gene: MYH11 (myosin heavy chain 11; minus strand). Cytogenetic location: 16p13.11.
Variant type: single nucleotide variant.
Coding change: c.1793C>T on transcript NM_002474.3 (MANE Select); coding-DNA position 1793, C replaced by T.
Protein change: p.Pro598Leu; replaces proline 598 with leucine.
Molecular consequence: missense variant.
Genome position (GRCh38, 1-based): chr16:15,753,465, G>A on the plus strand (C>T on the coding strand, the complement: MYH11 is on the minus strand). VCF-style: chr16-15753465-G-A. GRCh37 (hg19) VCF-style: chr16-15847322-G-A.
Other names: c.1814C>T, p.Pro605Leu (NM_001040113.2, NM_001040114.2); c.1793C>T, p.Pro598Leu (NM_022844.3); short protein forms P605L, P598L.
Identifiers: ClinVar variation 2563067 (VCV002563067.6), dbSNP rs770613752, ClinGen allele CA7922511.